The following is an entry in ClinVar:

ClinVar aggregate classification (germline): Conflicting classifications of pathogenicity. Review status: criteria provided, conflicting classifications (1 of 4 stars). 5 submissions from 5 submitters: Uncertain significance (1); Benign (1); Likely benign (2). 1 of the submissions does not count toward it. Last evaluated 2025-05-27.

Conditions:
GANAB-related disorder. Also called: GANAB-related condition.
Inborn genetic diseases. Identifiers: MedGen C0950123, MeSH D030342.

Allele frequency attached by ClinVar (database versions not stated): gnomAD exomes 0.00004; ESP Exome Variant Server 0.00008; TOPMed 0.00008; gnomAD 0.00010; ExAC 0.00016; 1000 Genomes Project 30x 0.00078; 1000 Genomes Project 0.00080.
gnomAD v4.1: 79 of 1,613,952 alleles (0.0049%); highest among the groups gnomAD compares: East Asian, 0.15%; 1 homozygote.

Submissions (5):

Ambry Genetics
Classification: Likely benign for Inborn genetic diseases. Last evaluated: 2025-05-27. Review status: criteria provided, single submitter. Criteria: Ambry Variant Classification Scheme 2023. Collection method: clinical testing. Allele origin: germline.

Labcorp Genetics (formerly Invitae), Labcorp
Classification: Benign. Last evaluated: 2025-05-03. Review status: criteria provided, single submitter. Criteria: Invitae Variant Classification Sherloc (09022015). Collection method: clinical testing. Allele origin: germline.

Blueprint Genetics
Classification: Likely benign. Last evaluated: 2023-10-20. Review status: criteria provided, single submitter. Criteria: ACMG Guidelines, 2015. Collection method: clinical testing. Allele origin: germline.

GeneDx
Classification: Uncertain significance. Last evaluated: 2023-01-11. Review status: criteria provided, single submitter. Criteria: GeneDx Variant Classification Process June 2021. Collection method: clinical testing. Allele origin: germline. Affected: yes.
Comment: Reported with a second GANAB variant (phase unknown) in a patient with polycystic kidney and liver disease in published literature (He et al., 2018); this patient was also reported with a PKD1 variant; In silico analysis supports that this missense variant has a deleterious effect on protein structure/function; This variant is associated with the following publications: (PMID: 30333007)

PreventionGenetics, part of Exact Sciences
Classification: Likely benign for GANAB-related condition. Last evaluated: 2020-06-22. Review status: no assertion criteria provided. Collection method: clinical testing. Allele origin: germline. Not counted in ClinVar's aggregate classification.
Comment: This variant is classified as likely benign based on ACMG/AMP sequence variant interpretation guidelines (Richards et al. 2015 PMID: 25741868, with internal and published modifications).

Literature cited by the submitters: PubMed 30333007 (cited by Ambry Genetics).

NM_198334.3(GANAB):c.367C>G (p.Pro123Ala)

Gene: GANAB (glucosidase II alpha subunit; minus strand). Cytogenetic location: 11q12.3.
Variant type: single nucleotide variant.
Coding change: c.367C>G on transcript NM_198334.3 (MANE Select); coding-DNA position 367, C replaced by G.
Protein change: p.Pro123Ala; replaces proline 123 with alanine.
Molecular consequence: missense variant. On other transcripts: 5 prime UTR variant (2), intron variant (2).
Genome position (GRCh38, 1-based): chr11:62,638,996, G>C on the plus strand (C>G on the coding strand, the complement: GANAB is on the minus strand). VCF-style: chr11-62638996-G-C. GRCh37 (hg19) VCF-style: chr11-62406468-G-C.
Other names: c.76C>G, p.Pro26Ala (NM_001278194.2, NM_001329222.2, NM_001329223.2); c.-410C>G (NM_001329224.2, NM_001329225.2); c.367C>G, p.Pro123Ala (NM_198335.4); c.39-3996C>G (NM_001278193.2, NM_001278192.2); c.367C>G (NM_198335.2); short protein forms P123A, P26A.
Identifiers: ClinVar variation 2572778 (VCV002572778.9), dbSNP rs200414966, ClinGen allele CA6051128.